The following is an entry in ClinVar:

NM_015213.4(DENND5A):c.1486A>G (p.Lys496Glu)

Gene: DENND5A (DENN domain containing 5A; minus strand). Cytogenetic location: 11p15.4.
Variant type: single nucleotide variant.
Coding change: c.1486A>G on transcript NM_015213.4 (MANE Select); coding-DNA position 1486, A replaced by G.
Protein change: p.Lys496Glu; replaces lysine 496 with glutamic acid.
Molecular consequence: missense variant. On other transcripts: non-coding transcript variant (1).
Genome position (GRCh38, 1-based): chr11:9,179,043, T>C on the plus strand (A>G on the coding strand, the complement: DENND5A is on the minus strand). VCF-style: chr11-9179043-T-C. GRCh37 (hg19) VCF-style: chr11-9200590-T-C.
Other names: c.1486A>G, p.Lys496Glu (NM_001243254.2); c.1414A>G, p.Lys472Glu (NM_001348749.2); c.1198A>G, p.Lys400Glu (NM_001348750.2); c.1486A>G (NM_015213.3); short protein forms K496E, K400E, K472E.
Identifiers: ClinVar variation 1435365 (VCV001435365.6), dbSNP rs556290457, ClinGen allele CA5877577.

ClinVar aggregate classification (germline): Uncertain significance. Review status: criteria provided, multiple submitters, no conflicts (2 of 4 stars). 3 submissions from 3 submitters: Uncertain significance (3). Last evaluated 2025-04-16.

Conditions:
Inborn genetic diseases. Identifiers: MedGen C0950123, MeSH D030342.

Allele frequency attached by ClinVar (database versions not stated): TOPMed 0.00008; gnomAD 0.00009 and 0.00007; gnomAD exomes 0.00005; ExAC 0.00006.
gnomAD v4.1: 87 of 1,614,044 alleles (0.0054%); highest among the groups gnomAD compares: Middle Eastern, 0.016%; no homozygotes.

Submissions (3):

GeneDx
Classification: Uncertain significance. Last evaluated: 2025-04-16. Review status: criteria provided, single submitter. Criteria: GeneDx Variant Classification Process June 2021. Collection method: clinical testing. Allele origin: germline. Affected: yes.
Comment: In silico analysis indicates that this missense variant does not alter protein structure/function; Has not been previously published as pathogenic or benign to our knowledge

Labcorp Genetics (formerly Invitae), Labcorp
Classification: Uncertain significance. Last evaluated: 2024-09-06. Review status: criteria provided, single submitter. Criteria: Invitae Variant Classification Sherloc (09022015). Collection method: clinical testing. Allele origin: germline.
Comment: This sequence change replaces lysine, which is basic and polar, with glutamic acid, which is acidic and polar, at codon 496 of the DENND5A protein (p.Lys496Glu). This variant is present in population databases (rs556290457, gnomAD 0.01%). This variant has not been reported in the literature in individuals affected with DENND5A-related conditions. ClinVar contains an entry for this variant (Variation ID: 1435365). Invitae Evidence Modeling of protein sequence and biophysical properties (such as structural, functional, and spatial information, amino acid conservation, physicochemical variation, residue mobility, and thermodynamic stability) indicates that this missense variant is not expected to disrupt DENND5A protein function with a negative predictive value of 80%. In summary, the available evidence is currently insufficient to determine the role of this variant in disease. Therefore, it has been classified as a Variant of Uncertain Significance.

Ambry Genetics
Classification: Uncertain significance for Inborn genetic diseases. Last evaluated: 2024-08-05. Review status: criteria provided, single submitter. Criteria: Ambry Variant Classification Scheme 2023. Collection method: clinical testing. Allele origin: germline.